The following is an entry in ClinVar:

NM_000297.4(PKD2):c.2081A>G (p.Gln694Arg)

Gene: PKD2 (polycystin 2, transient receptor potential cation channel; plus strand). Cytogenetic location: 4q22.1.
Variant type: single nucleotide variant.
Coding change: c.2081A>G on transcript NM_000297.4 (MANE Select); coding-DNA position 2081, A replaced by G.
Protein change: p.Gln694Arg; replaces glutamine 694 with arginine.
Molecular consequence: missense variant. On other transcripts: non-coding transcript variant (1).
Genome position (GRCh38, 1-based): chr4:88,061,967, A>G. VCF-style: chr4-88061967-A-G. GRCh37 (hg19) VCF-style: chr4-88983119-A-G.
Other names: c.1856A>G, p.Gln619Arg (NM_001440544.1); short protein forms Q619R, Q694R.
Identifiers: ClinVar variation 4714908 (VCV004714908.1).

ClinVar aggregate classification (germline): Uncertain significance (1 of 4 stars; one submission).

Conditions:
Autosomal dominant polycystic kidney disease. Identifiers: Orphanet 730, MedGen C0085413, MONDO:0004691.

gnomAD v4.1: 4 of 1,577,034 alleles (0.00025%); highest among the groups gnomAD compares: Non-Finnish European, 0.00026%; 1 homozygote.

Submission:

Labcorp Genetics (formerly Invitae), Labcorp
Classification: Uncertain significance for Autosomal dominant polycystic kidney disease. Last evaluated: 2025-11-03. Review status: criteria provided, single submitter. Criteria: Invitae Variant Classification Sherloc (09022015). Collection method: clinical testing. Allele origin: germline.
Comment: This sequence change replaces glutamine, which is neutral and polar, with arginine, which is basic and polar, at codon 694 of the PKD2 protein (p.Gln694Arg). This variant is not present in population databases (gnomAD no frequency). This variant has not been reported in the literature in individuals affected with PKD2-related conditions. Invitae Evidence Modeling of protein sequence and biophysical properties (such as structural, functional, and spatial information, amino acid conservation, physicochemical variation, residue mobility, and thermodynamic stability) has been performed for this missense variant. However, the output from this modeling did not meet the statistical confidence thresholds required to predict the impact of this variant on PKD2 protein function. In summary, the available evidence is currently insufficient to determine the role of this variant in disease. Therefore, it has been classified as a Variant of Uncertain Significance.